The following is an entry in ClinVar:

NC_000006.11:g.(?_39893402)_(39895317_?)dup

Gene: MOCS1 (molybdenum cofactor synthesis 1; minus strand). Cytogenetic location: 6p21.2.
Variant type: Duplication.
Identifiers: ClinVar variation 3246007 (VCV003246007.1).

ClinVar aggregate classification (germline): Likely pathogenic (1 of 4 stars; one submission).

Conditions:
Sulfite oxidase deficiency due to molybdenum cofactor deficiency type A. Also called: Molybdenum cofactor deficiency, complementation group A; Molybdenum Cofactor Deficiency A. Identifiers: Orphanet 308386, Orphanet 833, MedGen C1854988, MONDO:0009643, OMIM 252150.

Submission:

Labcorp Genetics (formerly Invitae), Labcorp
Classification: Likely pathogenic for Sulfite oxidase deficiency due to molybdenum cofactor deficiency type A. Last evaluated: 2023-04-25. Review status: criteria provided, single submitter. Criteria: Invitae Variant Classification Sherloc (09022015). Collection method: clinical testing. Allele origin: unknown.
Comment: In summary, the currently available evidence indicates that the variant is pathogenic, but additional data are needed to prove that conclusively. Therefore, this variant has been classified as Likely Pathogenic. This variant has not been reported in the literature in individuals affected with MOCS1-related conditions. This variant results in a copy number gain of the genomic region encompassing exon(s) 2-3 of the MOCS1 gene. While the exact position of this variant cannot be determined from the data, sub-genic copy number gains are generally in tandem (PMID: 25640679). This variant is predicted to be out-of-frame, and may result in an absent or disrupted protein product. Loss-of-function variants in MOCS1 are known to be pathogenic (PMID: 12754701, 16021469).

Literature cited by the submitters: PubMed 25640679; PubMed 12754701; PubMed 16021469.